The following is an entry in ClinVar:

ClinVar aggregate classification (germline): Uncertain significance. Review status: criteria provided, multiple submitters, no conflicts (2 of 4 stars). 3 submissions from 3 submitters: Uncertain significance (3). Last evaluated 2026-05-22.

Conditions:
Inborn genetic diseases. Identifiers: MedGen C0950123, MeSH D030342.
Abdominal obesity-metabolic syndrome 3 (AOMS3). Also called: CENTRAL OBESITY, TYPE 2 DIABETES, HYPERTENSION, AND EARLY-ONSET CORONARY ARTERY DISEASE. Identifiers: MedGen C4014361, MONDO:0014352, OMIM 615812.
DYRK1B-related disorder. Also called: DYRK1B-related condition.

Allele frequency attached by ClinVar (database versions not stated): TOPMed 0.00002.
gnomAD v4.1: 2 of 1,607,960 alleles (0.00012%); highest among the groups gnomAD compares: African/African-American, 0.0013%; no homozygotes.

Submissions (3):

PreventionGenetics, part of Exact Sciences
Classification: Uncertain significance for DYRK1B-related condition. Last evaluated: 2026-05-22. Review status: criteria provided, single submitter. Criteria: ACMG Guidelines, 2015. Collection method: clinical testing. Allele origin: germline.
Comment: The DYRK1B c.532C>G variant is predicted to result in the amino acid substitution p.Arg178Gly. To our knowledge, this variant has not been reported in the literature or in a large population database (gnomAD), indicating this variant is rare. At this time, the clinical significance of this variant is uncertain due to the absence of conclusive functional and genetic evidence.

Ambry Genetics
Classification: Uncertain significance for Inborn genetic diseases. Last evaluated: 2022-04-13. Review status: criteria provided, single submitter. Criteria: Ambry Variant Classification Scheme 2023. Collection method: clinical testing. Allele origin: germline.

Revvity Omics, Revvity
Classification: Uncertain significance for Abdominal obesity-metabolic syndrome 3. Last evaluated: 2021-01-07. Review status: criteria provided, single submitter. Criteria: ACMG Guidelines, 2015. Collection method: clinical testing. Allele origin: germline.

NM_004714.3(DYRK1B):c.532C>G (p.Arg178Gly)

Gene: DYRK1B (dual specificity tyrosine phosphorylation regulated kinase 1B; minus strand). Cytogenetic location: 19q13.2.
Variant type: single nucleotide variant.
Coding change: c.532C>G on transcript NM_004714.3 (MANE Select); coding-DNA position 532, C replaced by G.
Protein change: p.Arg178Gly; replaces arginine 178 with glycine.
Molecular consequence: missense variant.
Genome position (GRCh38, 1-based): chr19:39,828,572, G>C on the plus strand (C>G on the coding strand, the complement: DYRK1B is on the minus strand). VCF-style: chr19-39828572-G-C. GRCh37 (hg19) VCF-style: chr19-40319212-G-C.
Other names: c.532C>G, p.Arg178Gly (NM_006483.3, NM_006484.3); c.532C>G (NM_004714.2); short protein forms R178G.
Identifiers: ClinVar variation 2343667 (VCV002343667.6), dbSNP rs1239418224, ClinGen allele CA405826710.